The following is an entry in ClinVar:

NM_182961.4(SYNE1):c.22153G>A (p.Asp7385Asn)

Gene: SYNE1 (spectrin repeat containing nuclear envelope protein 1; minus strand). Cytogenetic location: 6q25.2.
Variant type: single nucleotide variant.
Coding change: c.22153G>A on transcript NM_182961.4 (MANE Select); coding-DNA position 22153, G replaced by A.
Protein change: p.Asp7385Asn; replaces aspartic acid 7385 with asparagine.
Molecular consequence: missense variant.
Genome position (GRCh38, 1-based): chr6:152,218,295, C>T on the plus strand (G>A on the coding strand, the complement: SYNE1 is on the minus strand). VCF-style: chr6-152218295-C-T. GRCh37 (hg19) VCF-style: chr6-152539430-C-T.
Other names: c.21940G>A, p.Asp7314Asn (NM_033071.5); short protein forms D7314N, D7385N.
Identifiers: ClinVar variation 286000 (VCV000286000.13), dbSNP rs886043280, ClinGen allele CA10605329.

ClinVar aggregate classification (germline): Uncertain significance. Review status: criteria provided, multiple submitters, no conflicts (2 of 4 stars). 2 submissions from 2 submitters: Uncertain significance (2). Last evaluated 2018-07-01.

Conditions:
Autosomal recessive ataxia, Beauce type. Also called: Spinocerebellar ataxia, autosomal recessive 8; ATAXIA, RECESSIVE, OF BEAUCE; SYNE1 Deficiency; SYNE1-Related Autosomal Recessive Cerebellar Ataxia. Identifiers: Orphanet 88644, MedGen C1853116, MONDO:0012549, OMIM 610743.
Emery-Dreifuss muscular dystrophy 4, autosomal dominant (EDMD4). Also called: EMERY-DREIFUSS MUSCULAR DYSTROPHY 4 WITH VARIABLE FEATURES. Identifiers: Orphanet 261, MedGen C2751807, MONDO:0013071, OMIM 612998.

Allele frequency attached by ClinVar (database versions not stated): gnomAD exomes below 0.00001.
gnomAD v4.1: 2 of 1,614,062 alleles (0.00012%); highest among the groups gnomAD compares: Non-Finnish European, 0.000085%; no homozygotes.

Submissions (2):

Labcorp Genetics (formerly Invitae), Labcorp
Classification: Uncertain significance for Emery-Dreifuss muscular dystrophy 4, autosomal dominant; Autosomal recessive ataxia, Beauce type. Last evaluated: 2018-07-01. Review status: criteria provided, single submitter. Criteria: Invitae Variant Classification Sherloc (09022015). Collection method: clinical testing. Allele origin: germline.
Comment: This variant has not been reported in the literature in individuals with SYNE1-related disease. ClinVar contains an entry for this variant (Variation ID: 286000). In summary, the available evidence is currently insufficient to determine the role of this variant in disease. Therefore, it has been classified as a Variant of Uncertain Significance. Algorithms developed to predict the effect of missense changes on protein structure and function are either unavailable or do not agree on the potential impact of this missense change (SIFT: "Deleterious"; PolyPhen-2: "Probably Damaging"; Align-GVGD: "Class C15"). This variant is not present in population databases (ExAC no frequency). This sequence change replaces aspartic acid with asparagine at codon 7314 of the SYNE1 protein (p.Asp7314Asn). The aspartic acid residue is highly conserved and there is a small physicochemical difference between aspartic acid and asparagine.

Eurofins Ntd Llc (ga)
Classification: Uncertain significance. Last evaluated: 2016-02-16. Review status: criteria provided, single submitter. Criteria: EGL Classification Definitions 2015. Collection method: clinical testing. Allele origin: germline. Observed: 1 variant allele, 1 heterozygote.